The following is an entry in ClinVar:

NM_053025.4(MYLK):c.383C>T (p.Ala128Val)

Gene: MYLK (myosin light chain kinase; minus strand). Cytogenetic location: 3q21.1.
Variant type: single nucleotide variant.
Coding change: c.383C>T on transcript NM_053025.4 (MANE Select); coding-DNA position 383, C replaced by T.
Protein change: p.Ala128Val; replaces alanine 128 with valine.
Molecular consequence: missense variant. On other transcripts: 5 prime UTR variant (1).
Genome position (GRCh38, 1-based): chr3:123,739,992, G>A on the plus strand (C>T on the coding strand, the complement: MYLK is on the minus strand). VCF-style: chr3-123739992-G-A. GRCh37 (hg19) VCF-style: chr3-123458839-G-A.
Other names: c.-146C>T (NM_001321309.2); c.383C>T, p.Ala128Val (NM_053026.4, NM_053027.4, NM_053028.4); short protein forms A128V.
Identifiers: ClinVar variation 241759 (VCV000241759.42), dbSNP rs143896146, ClinGen allele CA070867.
Genomic context (GRCh38, chr3:123,739,992, plus strand): 5'-TCTTGAACATCCAGGACTTACCCTAAGGTTTTGGAAACAACAGGCTGACCAAGCTGCTTC[G>A]CAAAACTTCCTGCAAGAAAAAGAGTTGATGAGTCAGGTCTGAGCCACCAACTTGGAGCAA-3'
Protein context (NP_444253.3, residues 118-138): TVELTVEGSF[Ala128Val]KQLGQPVVSK

ClinVar aggregate classification (germline): Benign. Review status: criteria provided, multiple submitters, no conflicts (2 of 4 stars). 14 submissions from 14 submitters: Benign (14). Last evaluated 2026-03-27.

Conditions:
Megacystis-microcolon-intestinal hypoperistalsis syndrome 1. Identifiers: MedGen C5542316, MONDO:0100354, OMIM 249210.
Aortic aneurysm, familial thoracic 7 (AAT7). Also called: AORTIC DISSECTION, FAMILIAL, WITH OR WITHOUT AORTIC ANEURYSM. Identifiers: MedGen C3151077, MONDO:0013418, OMIM 613780.
Familial thoracic aortic aneurysm and aortic dissection (TAAD). Also called: Thoracic aortic aneurysms and dissections. Identifiers: Orphanet 91387, MedGen C4707243, MONDO:0019625.

Allele frequency attached by ClinVar (database versions not stated): gnomAD exomes 0.01711 and 0.00364; 1000 Genomes Project 30x 0.01124; ExAC 0.01278; gnomAD 0.00747 and 0.00758; ESP Exome Variant Server 0.00054; TOPMed 0.01344; 1000 Genomes Project 0.01018.
gnomAD v4.1: 6,418 of 1,613,802 alleles (0.4%); highest among the groups gnomAD compares: Admixed American, 10%; 373 homozygotes.

Submissions (14):

Molecular Diagnostic Laboratory for Inherited Cardiovascular Disease, Montreal Heart Institute
Classification: Benign. Last evaluated: 2026-03-27. Review status: criteria provided, single submitter. Criteria: ACMG Guidelines, 2015. Collection method: clinical testing. Allele origin: germline. Affected: no.
Comment: BA1;BP4

Labcorp Genetics (formerly Invitae), Labcorp
Classification: Benign for Aortic aneurysm, familial thoracic 7. Last evaluated: 2026-02-02. Review status: criteria provided, single submitter. Criteria: Invitae Variant Classification Sherloc (09022015). Collection method: clinical testing. Allele origin: germline.

ARUP Laboratories, Molecular Genetics and Genomics, ARUP Laboratories
Classification: Benign. Last evaluated: 2025-05-23. Review status: criteria provided, single submitter. Criteria: ARUP Molecular Germline Variant Investigation Process 2024. Collection method: clinical testing. Allele origin: germline.

Fulgent Genetics
Classification: Benign for Megacystis-microcolon-intestinal hypoperistalsis syndrome 1; Aortic aneurysm, familial thoracic 7. Last evaluated: 2022-04-29. Review status: criteria provided, single submitter. Criteria: ACMG Guidelines, 2015. Collection method: clinical testing. Allele origin: unknown.

Women's Health and Genetics/Laboratory Corporation of America, LabCorp
Classification: Benign. Last evaluated: 2019-11-18. Review status: criteria provided, single submitter. Criteria: LabCorp Variant Classification Summary - May 2015. Collection method: clinical testing. Allele origin: germline.
Comment: Variant summary: MYLK c.383C>T (p.Ala128Val) results in a non-conservative amino acid change in the encoded protein sequence. Four of five in-silico tools predict a benign effect of the variant on protein function. The variant allele was found at a frequency of 0.016 in 282808 control chromosomes, predominantly at a frequency of 0.12 within the Latino subpopulation in the gnomAD database, including 286 homozygotes. The observed variant frequency within Latino control individuals in the gnomAD database greatly exceeds the estimated maximal expected allele frequency for a pathogenic variant in MYLK causing Aortopathy phenotype (2.5e-05), strongly suggesting that the variant is a benign polymorphism found primarily in populations of Latino origin. To our knowledge, no occurrence of c.383C>T in individuals affected with Aortopathy and no experimental evidence demonstrating its impact on protein function have been reported. Six clinical diagnostic laboratories have submitted clinical-significance assessments for this variant to ClinVar after 2014 without evidence for independent evaluation. All laboratories classified the variant as benign/likely benign. Based on the evidence outlined above, the variant was classified as benign.

CHEO Genetics Diagnostic Laboratory, Children's Hospital of Eastern Ontario
Classification: Benign for Familial thoracic aortic aneurysm and aortic dissection. Last evaluated: 2018-05-17. Review status: criteria provided, single submitter. Criteria: ACMG Guidelines, 2015. Collection method: clinical testing. Allele origin: germline.

Illumina Laboratory Services, Illumina
Classification: Benign for Aortic aneurysm, familial thoracic 7. Last evaluated: 2018-01-12. Review status: criteria provided, single submitter. Criteria: ICSL Variant Classification Criteria 13 December 2019. Collection method: clinical testing. Allele origin: germline.
Comment: This variant was observed in the ICSL laboratory as part of a predisposition screen in an ostensibly healthy population. It had not been previously curated by ICSL or reported in the Human Gene Mutation Database (HGMD: prior to June 1st, 2018), and was therefore a candidate for classification through an automated scoring system. Utilizing variant allele frequency, disease prevalence and penetrance estimates, and inheritance mode, an automated score was calculated to assess if this variant is too frequent to cause the disease. Based on the score and internal cut-off values, a variant classified as benign is not then subjected to further curation. The score for this variant resulted in a classification of benign for this disease.

GeneDx
Classification: Benign. Last evaluated: 2016-10-11. Review status: criteria provided, single submitter. Criteria: GeneDx Variant Classification (06012015). Collection method: clinical testing. Allele origin: germline. Affected: yes.
Comment: This variant is considered likely benign or benign based on one or more of the following criteria: it is a conservative change, it occurs at a poorly conserved position in the protein, it is predicted to be benign by multiple in silico algorithms, and/or has population frequency not consistent with disease.

Eurofins Ntd Llc (ga)
Classification: Benign. Last evaluated: 2015-07-29. Review status: criteria provided, single submitter. Criteria: EGL Classification Definitions 2015. Collection method: clinical testing. Allele origin: germline. Observed: 1 variant allele, 1 heterozygote.

Ambry Genetics
Classification: Benign for Familial thoracic aortic aneurysm and aortic dissection. Last evaluated: 2015-05-22. Review status: criteria provided, single submitter. Criteria: Ambry Variant Classification Scheme 2023. Collection method: clinical testing. Allele origin: germline.

Mayo Clinic Laboratories, Mayo Clinic
Classification: Benign. Last evaluated: 2014-04-02. Review status: criteria provided, single submitter. Criteria: ACMG Guidelines, 2015. Collection method: clinical testing. Allele origin: germline. Observed: 27 variant alleles.

Laboratory for Molecular Medicine, Mass General Brigham Personalized Medicine
Classification: Benign. Last evaluated: 2013-04-04. Review status: criteria provided, single submitter. Criteria: LMM Criteria. Collection method: clinical testing. Allele origin: germline. Observed: 1 variant allele.
Comment: Ala128Val in exon 6 of MYLK: This variant is not expected to have clinical signi ficance because it has been identified in 12.9% (17/132) of Mexican chromosomes from a broad population by the 1000 Genomes Project (/projects/SNP; dbSNP rs143896146).

Breakthrough Genomics
Classification: Benign. Review status: criteria provided, single submitter. Criteria: ACMG Guidelines, 2015. Collection method: not provided. Allele origin: germline. Inheritance: Autosomal recessive inheritance. Affected: yes.

PreventionGenetics, part of Exact Sciences
Classification: Benign. Review status: criteria provided, single submitter. Criteria: ACMG Guidelines, 2015. Collection method: clinical testing. Allele origin: germline.

Literature cited by the submitters: PubMed 27879251 (cited by Women's Health and Genetics/Laboratory Corporation of America, LabCorp).